The following is an entry in ClinVar:

NM_001377.3(DYNC2H1):c.7709-205G>A

Gene: DYNC2H1 (dynein cytoplasmic 2 heavy chain 1; plus strand). Cytogenetic location: 11q22.3.
Variant type: single nucleotide variant.
Coding change: c.7709-205G>A on transcript NM_001377.3 (MANE Select); 205 bases into the intron before coding-DNA position 7709, G replaced by A.
Molecular consequence: intron variant.
Genome position (GRCh38, 1-based): chr11:103,197,728, G>A. VCF-style: chr11-103197728-G-A. GRCh37 (hg19) VCF-style: chr11-103068457-G-A.
Other names: c.7709-205G>A (NM_001080463.2).
Identifiers: ClinVar variation 673027 (VCV000673027.1), dbSNP rs12275839, ClinGen allele CA227411670.
Genomic context (GRCh38, chr11:103,197,728, plus strand): 5'-GACCTCCTGAGCTGAAGTAATCCTCCTGCCTTGGCCTCCAAAAGTGCGGGTATTATAGGC[G>A]TGGGCCACCTTGCCTGGCTCAGTCATTGTATTTCACCTGATTTTATTGACCTTACAATGT-3'

ClinVar aggregate classification (germline): Benign (1 of 4 stars; one submission).

Allele frequency attached by ClinVar (database versions not stated): gnomAD 0.03868 and 0.04159; 1000 Genomes Project 0.04393; TOPMed 0.04415; 1000 Genomes Project 30x 0.04903.
gnomAD v4.1: 5,827 of 152,212 alleles (3.8%); highest among the groups gnomAD compares: African/African-American, 13%; 371 homozygotes.

Submission:

GeneDx
Classification: Benign. Last evaluated: 2018-06-14. Review status: criteria provided, single submitter. Criteria: GeneDx Variant Classification (06012015). Collection method: clinical testing. Allele origin: germline. Affected: yes.
Comment: This variant is considered likely benign or benign based on one or more of the following criteria: it is a conservative change, it occurs at a poorly conserved position in the protein, it is predicted to be benign by multiple in silico algorithms, and/or has population frequency not consistent with disease.